The following is an entry in ClinVar:

NM_022124.6(CDH23):c.9375del (p.Phe3125fs)

Gene: CDH23 (cadherin related 23; plus strand). Cytogenetic location: 10q22.1.
Variant type: Deletion.
Coding change: c.9375del on transcript NM_022124.6 (MANE Select); coding-DNA position 9375, one base deleted (T; older notation c.9375delT).
Protein change: p.Phe3125fs; shifts the reading frame from phenylalanine 3125.
Molecular consequence: frameshift variant. On other transcripts: 5 prime UTR variant (2).
Genome position (GRCh38, 1-based): chr10:71,812,010, T deleted; the last of 3 consecutive T bases (chr10:71,812,008-71,812,010); deleting any one gives the same sequence. VCF-style (leftmost placement, unchanged base first): chr10-71812007-CT-C. GRCh37 (hg19) VCF-style: chr10-73571764-CT-C.
Other names: c.2655del, p.Phe885fs (NM_001171933.1, NM_001171934.1); c.-282del (NM_001171935.1, NM_001171936.1); short protein forms F3125fs, F885fs.
Identifiers: ClinVar variation 2844481 (VCV002844481.4), dbSNP rs1564808313, ClinGen allele CA918704097.

ClinVar aggregate classification (germline): Pathogenic/Likely pathogenic. Review status: criteria provided, multiple submitters, no conflicts (2 of 4 stars). 2 submissions from 2 submitters: Pathogenic (1); Likely pathogenic (1). Last evaluated 2023-11-19.

Conditions:
Pituitary adenoma 5, multiple types. Identifiers: MedGen C4539685, MONDO:0054601, OMIM 617540.

Submissions (2):

Baylor Genetics
Classification: Likely pathogenic for Pituitary adenoma 5, multiple types. Last evaluated: 2023-11-19. Review status: criteria provided, single submitter. Criteria: ACMG Guidelines, 2015. Collection method: clinical testing. Allele origin: unknown.

Labcorp Genetics (formerly Invitae), Labcorp
Classification: Pathogenic. Last evaluated: 2023-11-07. Review status: criteria provided, single submitter. Criteria: Invitae Variant Classification Sherloc (09022015). Collection method: clinical testing. Allele origin: germline.
Comment: This sequence change creates a premature translational stop signal (p.Phe3125Leufs*32) in the CDH23 gene. It is expected to result in an absent or disrupted protein product. Loss-of-function variants in CDH23 are known to be pathogenic (PMID: 11138009, 21940737). This variant is not present in population databases (gnomAD no frequency). This variant has not been reported in the literature in individuals affected with CDH23-related conditions. For these reasons, this variant has been classified as Pathogenic.

Literature cited by the submitters: PubMed 11138009 (cited by Labcorp Genetics (formerly Invitae), Labcorp); PubMed 21940737 (cited by Labcorp Genetics (formerly Invitae), Labcorp).